The following is an entry in ClinVar:

ClinVar aggregate classification (germline): Uncertain significance (1 of 4 stars; one submission).

gnomAD v4.1: 3 of 1,613,474 alleles (0.00019%); highest among the groups gnomAD compares: South Asian, 0.0022%; no homozygotes.

Submission:

GeneDx
Classification: Uncertain significance. Last evaluated: 2024-07-19. Review status: criteria provided, single submitter. Criteria: GeneDx Variant Classification Process June 2021. Collection method: clinical testing. Allele origin: germline. Affected: yes.
Comment: Not observed at significant frequency in large population cohorts (gnomAD); Missense variant in a gene in which most reported pathogenic variants are truncating/loss of function; Has not been previously published as pathogenic or benign to our knowledge

NM_001267550.2(TTN):c.22405T>C (p.Phe7469Leu)

Gene: TTN (titin; minus strand). Cytogenetic location: 2q31.2.
Variant type: single nucleotide variant.
Coding change: c.22405T>C on transcript NM_001267550.2 (MANE Select); coding-DNA position 22405, T replaced by C.
Protein change: p.Phe7469Leu; replaces phenylalanine 7469 with leucine.
Molecular consequence: missense variant. On other transcripts: intron variant (3).
Genome position (GRCh38, 1-based): chr2:178,722,382, A>G on the plus strand (T>C on the coding strand, the complement: TTN is on the minus strand). VCF-style: chr2-178722382-A-G. GRCh37 (hg19) VCF-style: chr2-179587109-A-G.
Other names: c.21454T>C, p.Phe7152Leu (NM_001256850.1); c.18673T>C, p.Phe6225Leu (NM_133378.4); c.13282+15700T>C (NM_003319.4); c.13858+15700T>C (NM_133437.4); c.13657+15700T>C (NM_133432.3); short protein forms F6225L, F7152L, F7469L.
Identifiers: ClinVar variation 3573888 (VCV003573888.1).